The following is an entry in ClinVar:

NM_015340.4(LARS2):c.1024C>T (p.Leu342Phe)

Genes: LARS2 (leucyl-tRNA synthetase 2, mitochondrial; plus strand), LARS2-AS1 (LARS2 antisense RNA 1; minus strand). Cytogenetic location: 3p21.31.
Variant type: single nucleotide variant.
Coding change: c.1024C>T on transcript NM_015340.4 (MANE Select); coding-DNA position 1024, C replaced by T.
Protein change: p.Leu342Phe; replaces leucine 342 with phenylalanine.
Molecular consequence: missense variant.
Genome position (GRCh38, 1-based): chr3:45,485,697, C>T. VCF-style: chr3-45485697-C-T. GRCh37 (hg19) VCF-style: chr3-45527189-C-T.
Other names: c.1024C>T, p.Leu342Phe (NM_001368263.1); short protein forms L342F.
Identifiers: ClinVar variation 4879709 (VCV004879709.1).

ClinVar aggregate classification (germline): Uncertain significance (1 of 4 stars; one submission).

Conditions:
Perrault syndrome 4 (PRLTS4). Identifiers: Orphanet 2855, MedGen C3809105, MONDO:0014126, OMIM 615300.

Submission:

Victorian Clinical Genetics Services, Murdoch Childrens Research Institute
Classification: Uncertain significance for Perrault syndrome 4. Last evaluated: 2026-06-19. Review status: criteria provided, single submitter. Criteria: ACMG Guidelines, 2015. Collection method: clinical testing. Allele origin: germline. Affected: yes.
Comment: This variant is classified as VUS-3B. Evidence in support of pathogenic classification: Variant is absent from gnomAD (v2, v3 and v4); Heterozygous variant detected in trans with a PATHOGENIC heterozygous variant (NM_015340.4(LARS2):c.1111del; p.(Asp371Ilefs*4)) in a recessive disease. Additional information: Variant is predicted to result in a missense amino acid change from Leu to Phe; This variant is heterozygous; This gene is associated with autosomal recessive disease; This variant has no previous evidence of pathogenicity; No published evidence of segregation with disease has been identified for this variant; No published functional evidence has been identified for this variant; No comparable missense variants have previous evidence for pathogenicity; Variant is not located in an established domain, motif, hotspot or informative constraint region; Missense variant with inconclusive in silico prediction and/or uninformative conservation; Loss of function is a known mechanism of disease in this gene and is associated with Perrault syndrome 4 (MIM#615300) and hydrops, lactic acidosis, and sideroblastic anaemia (MIM#617021); Variants in this gene are known to have variable expressivity (OMIM).